The following is an entry in ClinVar:

NM_007375.4(TARDBP):c.869G>C (p.Gly290Ala)

Gene: TARDBP (TAR DNA binding protein; plus strand). Cytogenetic location: 1p36.22.
Variant type: single nucleotide variant.
Coding change: c.869G>C on transcript NM_007375.4 (MANE Select); coding-DNA position 869, G replaced by C.
Protein change: p.Gly290Ala; replaces glycine 290 with alanine.
Molecular consequence: missense variant.
Genome position (GRCh38, 1-based): chr1:11,022,278, G>C. VCF-style: chr1-11022278-G-C. GRCh37 (hg19) VCF-style: chr1-11082335-G-C.
Other names: short protein forms G290A.
Identifiers: ClinVar variation 5231 (VCV000005231.10), dbSNP rs121908395, ClinGen allele CA253447.

ClinVar aggregate classification (germline): Uncertain significance. Review status: criteria provided, single submitter (1 of 4 stars). 2 submissions from 2 submitters: Uncertain significance (1). 1 of the submissions does not count toward it. Last evaluated 2019-03-25.

Conditions:
Amyotrophic lateral sclerosis type 10 (ALS10). Also called: AMYOTROPHIC LATERAL SCLEROSIS 10 WITH OR WITHOUT FRONTOTEMPORAL DEMENTIA; Amyotrophic lateral sclerosis 10, with or without FTD; AMYOTROPHIC LATERAL SCLEROSIS 10 WITHOUT FRONTOTEMPORAL DEMENTIA AND WITH TDP43 INCLUSIONS; AMYOTROPHIC LATERAL SCLEROSIS 10 WITH OR WITHOUT FRONTOTEMPORAL DEMENTIA AND WITH TDP43 INCLUSIONS; TARDBP-Related Amyotrophic Lateral Sclerosis-Frontotemporal Dementia. Identifiers: Orphanet 275872, Orphanet 803, MedGen C2677565, MONDO:0012790, OMIM 612069.
FRONTOTEMPORAL LOBAR DEGENERATION WITH TDP43 INCLUSIONS, TARDBP-RELATED. Also called: Frontotemporal lobar degeneration, TARDBP-related. Identifiers: MedGen C3150169, OMIM 612069.

Allele frequency attached by ClinVar (database versions not stated): gnomAD exomes below 0.00001.
gnomAD v4.1: 1 of 1,613,954 alleles (0.000062%); highest among the groups gnomAD compares: Non-Finnish European, 0.000085%; no homozygotes.

Submissions (2):

Labcorp Genetics (formerly Invitae), Labcorp
Classification: Uncertain significance for Amyotrophic lateral sclerosis type 10; FRONTOTEMPORAL LOBAR DEGENERATION WITH TDP43 INCLUSIONS, TARDBP-RELATED. Last evaluated: 2019-03-25. Review status: criteria provided, single submitter. Criteria: Invitae Variant Classification Sherloc (09022015). Collection method: clinical testing. Allele origin: germline.
Comment: This variant has been observed in a family affected with amyotrophic lateral sclerosis (PMID: 18396105). ClinVar contains an entry for this variant (Variation ID: 5231). This variant is not present in population databases (ExAC no frequency). This sequence change replaces glycine with alanine at codon 290 of the TARDBP protein (p.Gly290Ala). The glycine residue is moderately conserved and there is a small physicochemical difference between glycine and alanine. This variant has been reported to affect TARDBP protein function (PMID: 19515851, 21123567). In summary, the available evidence is currently insufficient to determine the role of this variant in disease. Therefore, it has been classified as a Variant of Uncertain Significance.

OMIM
Classification: Pathogenic for AMYOTROPHIC LATERAL SCLEROSIS 10 WITHOUT FRONTOTEMPORAL DEMENTIA AND WITH TDP43 INCLUSIONS. Last evaluated: 2008-05-01. Review status: no assertion criteria provided. Collection method: literature only. Allele origin: germline. Not counted in ClinVar's aggregate classification.

Literature cited by the submitters: PubMed 18396105 (cited by Labcorp Genetics (formerly Invitae), Labcorp and OMIM); PubMed 19515851 (cited by Labcorp Genetics (formerly Invitae), Labcorp); PubMed 21123567 (cited by Labcorp Genetics (formerly Invitae), Labcorp).